The following is an entry in ClinVar:

ClinVar aggregate classification (germline): Uncertain significance (1 of 4 stars; one submission).

Conditions:
Primary familial hypertrophic cardiomyopathy (HCM). Identifiers: Orphanet 99739, MedGen C0949658, MeSH D024741, MONDO:0024573. Inheritance: Various modes of inheritance.
Hypertrophic cardiomyopathy 25 (CMH25). Also called: CARDIOMYOPATHY, FAMILIAL HYPERTROPHIC, 25. Identifiers: MedGen C4225408, MONDO:0011843, OMIM 607487.

Submission:

Labcorp Genetics (formerly Invitae), Labcorp
Classification: Uncertain significance for Hypertrophic cardiomyopathy 25; Primary familial hypertrophic cardiomyopathy. Last evaluated: 2022-09-13. Review status: criteria provided, single submitter. Criteria: Invitae Variant Classification Sherloc (09022015). Collection method: clinical testing. Allele origin: germline.
Comment: In summary, the available evidence is currently insufficient to determine the role of this variant in disease. Therefore, it has been classified as a Variant of Uncertain Significance. Algorithms developed to predict the effect of missense changes on protein structure and function (SIFT, PolyPhen-2, Align-GVGD) all suggest that this variant is likely to be disruptive. This variant has not been reported in the literature in individuals affected with TCAP-related conditions. This variant is not present in population databases (gnomAD no frequency). This sequence change replaces glycine, which is neutral and non-polar, with alanine, which is neutral and non-polar, at codon 167 of the TCAP protein (p.Gly167Ala).

NM_003673.4(TCAP):c.500G>C (p.Gly167Ala)

Gene: TCAP (titin-cap; plus strand). Cytogenetic location: 17q12.
Variant type: single nucleotide variant.
Coding change: c.500G>C on transcript NM_003673.4 (MANE Select); coding-DNA position 500, G replaced by C.
Protein change: p.Gly167Ala; replaces glycine 167 with alanine.
Molecular consequence: missense variant.
Genome position (GRCh38, 1-based): chr17:39,666,105, G>C. VCF-style: chr17-39666105-G-C. GRCh37 (hg19) VCF-style: chr17-37822358-G-C.
Other names: short protein forms G167A.
Identifiers: ClinVar variation 1719294 (VCV001719294.6), dbSNP rs2145075143, ClinGen allele CA399306117.